The following is an entry in ClinVar:

NM_000038.6(APC):c.3291A>T (p.Glu1097Asp)

Gene: APC (APC regulator of Wnt signaling pathway; plus strand). Cytogenetic location: 5q22.2.
Variant type: single nucleotide variant.
Coding change: c.3291A>T on transcript NM_000038.6 (MANE Select); coding-DNA position 3291, A replaced by T.
Protein change: p.Glu1097Asp; replaces glutamic acid 1097 with aspartic acid.
Molecular consequence: missense variant.
Genome position (GRCh38, 1-based): chr5:112,838,885, A>T. VCF-style: chr5-112838885-A-T. GRCh37 (hg19) VCF-style: chr5-112174582-A-T.
Other names: c.3291A>T, p.Glu1097Asp (NM_001127510.3, NM_001354895.2, NM_001407450.1); c.3237A>T, p.Glu1079Asp (NM_001127511.3); c.3345A>T, p.Glu1115Asp (NM_001354896.2, NM_001407447.1, NM_001407448.1 and 1 more transcripts); c.3321A>T, p.Glu1107Asp (NM_001354897.2); c.3216A>T, p.Glu1072Asp (NM_001354898.2); c.3207A>T, p.Glu1069Asp (NM_001354899.2); c.3168A>T, p.Glu1056Asp (NM_001354900.2); c.3114A>T, p.Glu1038Asp (NM_001354901.2, NM_001407453.1); and 11 more; short protein forms E1006D, E814D, E1038D, E1079D, E1087D, E1090D, E1125D, E996D.
Identifiers: ClinVar variation 1729848 (VCV001729848.3), dbSNP rs2149888846, ClinGen allele CA16028561.

ClinVar aggregate classification (germline): Uncertain significance. Review status: criteria provided, multiple submitters, no conflicts (2 of 4 stars). 2 submissions from 2 submitters: Uncertain significance (2). Last evaluated 2025-03-09.

Conditions:
Hereditary cancer-predisposing syndrome. Also called: Neoplastic Syndromes, Hereditary; Tumor predisposition; Hereditary Cancer Syndrome; Hereditary neoplastic syndrome. Identifiers: Orphanet 140162, MedGen C0027672, MeSH D009386, MONDO:0015356.
Familial adenomatous polyposis 1 (FAP1). Also called: FAMILIAL ADENOMATOUS POLYPOSIS 1, ATTENUATED; POLYPOSIS, ADENOMATOUS INTESTINAL. Identifiers: MedGen C2713442, MONDO:0021056, OMIM 175100. Disease mechanism: loss of function.

Submissions (2):

Labcorp Genetics (formerly Invitae), Labcorp
Classification: Uncertain significance for Familial adenomatous polyposis 1. Last evaluated: 2025-03-09. Review status: criteria provided, single submitter. Criteria: Invitae Variant Classification Sherloc (09022015). Collection method: clinical testing. Allele origin: germline.
Comment: This sequence change replaces glutamic acid, which is acidic and polar, with aspartic acid, which is acidic and polar, at codon 1097 of the APC protein (p.Glu1097Asp). This variant is not present in population databases (gnomAD no frequency). This variant has not been reported in the literature in individuals affected with APC-related conditions. ClinVar contains an entry for this variant (Variation ID: 1729848). Invitae Evidence Modeling of protein sequence and biophysical properties (such as structural, functional, and spatial information, amino acid conservation, physicochemical variation, residue mobility, and thermodynamic stability) indicates that this missense variant is not expected to disrupt APC protein function with a negative predictive value of 95%. In summary, the available evidence is currently insufficient to determine the role of this variant in disease. Therefore, it has been classified as a Variant of Uncertain Significance.

Ambry Genetics
Classification: Uncertain significance for Hereditary cancer-predisposing syndrome. Last evaluated: 2022-09-27. Review status: criteria provided, single submitter. Criteria: Ambry Variant Classification Scheme 2023. Collection method: clinical testing. Allele origin: germline.
Comment: The p.E1097D variant (also known as c.3291A>T), located in coding exon 15 of the APC gene, results from an A to T substitution at nucleotide position 3291. The glutamic acid at codon 1097 is replaced by aspartic acid, an amino acid with highly similar properties. This amino acid position is conserved. In addition, in silico predictors for this gene do not accurately predict pathogenicity. Since supporting evidence is limited at this time, the clinical significance of this alteration remains unclear.